The following is an entry in ClinVar:

ClinVar aggregate classification (germline): Uncertain significance. Review status: criteria provided, multiple submitters, no conflicts (2 of 4 stars). 3 submissions from 3 submitters: Uncertain significance (3). Last evaluated 2026-01-08.

Conditions:
HNF1B-related disorder. Also called: HNF1B-related condition; HNF1B-related disorders.
Renal cysts and diabetes syndrome (RCAD). Also called: Familial hypoplastic, glomerulocystic kidney; MATURITY-ONSET DIABETES OF THE YOUNG, TYPE 5. Identifiers: Orphanet 93111, MedGen C0431693, MONDO:0007669, OMIM 137920.
Type 2 diabetes mellitus. Also called: Type II diabetes mellitus. Identifiers: MedGen C0011860, MeSH D003924, MONDO:0005148, OMIM 125853, HP:0005978.
Nonpapillary renal cell carcinoma. Identifiers: Orphanet 422526, MedGen CN074294, MONDO:0007763, OMIM 144700.

gnomAD v4.1: 14 of 1,613,412 alleles (0.00087%); highest among the groups gnomAD compares: East Asian, 0.0067%; no homozygotes.

Submissions (3):

Labcorp Genetics (formerly Invitae), Labcorp
Classification: Uncertain significance. Last evaluated: 2026-01-08. Review status: criteria provided, single submitter. Criteria: Invitae Variant Classification Sherloc (09022015). Collection method: clinical testing. Allele origin: germline.
Comment: This sequence change replaces arginine, which is basic and polar, with cysteine, which is neutral and slightly polar, at codon 351 of the HNF1B protein (p.Arg351Cys). This variant is present in population databases (rs746992837, gnomAD 0.02%). This variant has not been reported in the literature in individuals affected with HNF1B-related conditions. ClinVar contains an entry for this variant (Variation ID: 3581895). Invitae Evidence Modeling of protein sequence and biophysical properties (such as structural, functional, and spatial information, amino acid conservation, physicochemical variation, residue mobility, and thermodynamic stability) indicates that this missense variant is not expected to disrupt HNF1B protein function with a negative predictive value of 80%. In summary, the available evidence is currently insufficient to determine the role of this variant in disease. Therefore, it has been classified as a Variant of Uncertain Significance.

PreventionGenetics, part of Exact Sciences
Classification: Uncertain significance for HNF1B-related condition. Last evaluated: 2024-12-31. Review status: criteria provided, single submitter. Criteria: ACMG Guidelines, 2015. Collection method: clinical testing. Allele origin: germline.
Comment: The HNF1B c.1051C>T variant is predicted to result in the amino acid substitution p.Arg351Cys. To our knowledge, this variant has not been reported in the literature. This variant is reported in 0.020% of alleles in individuals of East Asian descent in gnomAD. At this time, the clinical significance of this variant is uncertain due to the absence of conclusive functional and genetic evidence.

Fulgent Genetics
Classification: Uncertain significance for Type 2 diabetes mellitus; Renal cysts and diabetes syndrome; Nonpapillary renal cell carcinoma. Last evaluated: 2024-02-03. Review status: criteria provided, single submitter. Criteria: ACMG Guidelines, 2015. Collection method: clinical testing. Allele origin: germline.

NM_000458.4(HNF1B):c.1051C>T (p.Arg351Cys)

Gene: HNF1B (HNF1 homeobox B; minus strand). Cytogenetic location: 17q12.
Variant type: single nucleotide variant.
Coding change: c.1051C>T on transcript NM_000458.4 (MANE Select); coding-DNA position 1051, C replaced by T.
Protein change: p.Arg351Cys; replaces arginine 351 with cysteine.
Molecular consequence: missense variant.
Genome position (GRCh38, 1-based): chr17:37,710,658, G>A on the plus strand (C>T on the coding strand, the complement: HNF1B is on the minus strand). VCF-style: chr17-37710658-G-A. GRCh37 (hg19) VCF-style: chr17-36070666-G-A.
Other names: c.973C>T, p.Arg325Cys (NM_001165923.4, NM_001304286.2); c.1051C>T, p.Arg351Cys (NM_001411100.1); c.1051C>T (NM_000458.3); short protein forms R325C, R351C.
Identifiers: ClinVar variation 3581895 (VCV003581895.3).